The following is an entry in ClinVar:

NM_144498.4(OSBPL2):c.276G>A (p.Thr92=)

Gene: OSBPL2 (oxysterol binding protein like 2; plus strand). Cytogenetic location: 20q13.33.
Variant type: single nucleotide variant.
Coding change: c.276G>A on transcript NM_144498.4 (MANE Select); coding-DNA position 276, G replaced by A.
Protein change: p.Thr92=; no amino-acid change (threonine 92 retained).
Molecular consequence: synonymous variant. On other transcripts: 5 prime UTR variant (2).
Genome position (GRCh38, 1-based): chr20:62,272,142, G>A. VCF-style: chr20-62272142-G-A. GRCh37 (hg19) VCF-style: chr20-60847198-G-A.
Other names: c.-1G>A (NM_001278649.3, NM_001363878.2); c.240G>A, p.Thr80= (NM_014835.5).
Identifiers: ClinVar variation 3034816 (VCV003034816.5), dbSNP rs373921032, ClinGen allele CA9938414.
Genomic context (GRCh38, chr20:62,272,142, plus strand): 5'-CAGGAAGGCAGCAGTAACCAGCGAGTCTTCCCCATCTTTCCAGGAGCTGTCCAAGATCAC[G>A]ATGCCAATCGCCTTCAACGAGCCTCTGAGCTTCTTGCAGCGGATCACGGAGTACATGGAG-3'
Protein context (NP_653081.1, residues 82-102): KCVGLELSKI[Thr92=]MPIAFNEPLS

ClinVar aggregate classification (germline): Likely benign. Review status: criteria provided, multiple submitters, no conflicts (2 of 4 stars). 3 submissions from 3 submitters: Likely benign (2). 1 of the submissions does not count toward it. Last evaluated 2024-11-10.

Conditions:
OSBPL2-related disorder. Also called: OSBPL2-related condition.

Allele frequency attached by ClinVar (database versions not stated): TOPMed 0.00004; gnomAD exomes 0.00006; gnomAD 0.00007; ESP Exome Variant Server 0.00008.
gnomAD v4.1: 107 of 1,613,724 alleles (0.0066%); highest among the groups gnomAD compares: East Asian, 0.018%; no homozygotes.

Submissions (3):

Labcorp Genetics (formerly Invitae), Labcorp
Classification: Likely benign. Last evaluated: 2024-11-10. Review status: criteria provided, single submitter. Criteria: Invitae Variant Classification Sherloc (09022015). Collection method: clinical testing. Allele origin: germline.

Blueprint Genetics
Classification: Likely benign. Last evaluated: 2024-03-28. Review status: criteria provided, single submitter. Criteria: ACMG Guidelines, 2015. Collection method: clinical testing. Allele origin: germline.

PreventionGenetics, part of Exact Sciences
Classification: Likely benign for OSBPL2-related condition. Last evaluated: 2019-08-12. Review status: no assertion criteria provided. Collection method: clinical testing. Allele origin: germline. Not counted in ClinVar's aggregate classification.
Comment: This variant is classified as likely benign based on ACMG/AMP sequence variant interpretation guidelines (Richards et al. 2015 PMID: 25741868, with internal and published modifications).